The following is an entry in ClinVar:

NM_004036.5(ADCY3):c.1092G>T (p.Lys364Asn)

Gene: ADCY3 (adenylate cyclase 3; minus strand). Cytogenetic location: 2p23.3.
Variant type: single nucleotide variant.
Coding change: c.1092G>T on transcript NM_004036.5 (MANE Select); coding-DNA position 1092, G replaced by T.
Protein change: p.Lys364Asn; replaces lysine 364 with asparagine.
Molecular consequence: missense variant.
Genome position (GRCh38, 1-based): chr2:24,841,363, C>A on the plus strand (G>T on the coding strand, the complement: ADCY3 is on the minus strand). VCF-style: chr2-24841363-C-A. GRCh37 (hg19) VCF-style: chr2-25064232-C-A.
Other names: c.1092G>T, p.Lys364Asn (NM_001320613.2, NM_001377128.1, NM_001377129.1 and 2 more transcripts); c.369G>T, p.Lys123Asn (NM_001377131.1); short protein forms K364N, K123N.
Identifiers: ClinVar variation 4979668 (VCV004979668.1).

ClinVar aggregate classification (germline): Uncertain significance (1 of 4 stars; one submission).

Conditions:
ADCY3-related disorder. Also called: ADCY3-related condition.

gnomAD v4.1: 1 of 1,609,034 alleles (0.000062%); highest among the groups gnomAD compares: African/African-American, 0.0013%; no homozygotes.

Submission:

PreventionGenetics, part of Exact Sciences
Classification: Uncertain significance for ADCY3-related condition. Last evaluated: 2025-06-25. Review status: criteria provided, single submitter. Criteria: ACMG Guidelines, 2015. Collection method: clinical testing. Allele origin: germline.
Comment: The ADCY3 c.1092G>T variant is predicted to result in the amino acid substitution p.Lys364Asn. To our knowledge, this variant has not been reported in the literature or in a large population database, indicating this variant is rare. At this time, the clinical significance of this variant is uncertain due to the absence of conclusive functional and genetic evidence.